The following is an entry in ClinVar:

ClinVar aggregate classification (germline): Uncertain significance. Review status: criteria provided, single submitter (1 of 4 stars). 2 submissions from 2 submitters: Uncertain significance (1). 1 of the submissions does not count toward it. Last evaluated 2024-05-24.

Conditions:
CREBBP-related disorder. Also called: CREBBP-related condition; CREBBP-related disorders.
Menke-Hennekam syndrome 1 (MKHK1). Identifiers: MedGen C5193034, MONDO:0020763, OMIM 618332.
Rubinstein-Taybi syndrome due to CREBBP mutations (RSTS1). Also called: BROAD THUMBS AND GREAT TOES, CHARACTERISTIC FACIES, AND IMPAIRED INTELLECTUAL DEVELOPMENT; RUBINSTEIN-TAYBI SYNDROME 1, INCOMPLETE; BROAD THUMB-HALLUX SYNDROME; RUBINSTEIN SYNDROME; Rubinstein-Taybi syndrome 1; CREBBP-Related Rubinstein-Taybi Syndrome. Identifiers: Orphanet 353277, Orphanet 783, MedGen C4551859, MONDO:0008393, OMIM 180849.

gnomAD v4.1: 31 of 1,614,148 alleles (0.0019%); highest among the groups gnomAD compares: African/African-American, 0.0027%; no homozygotes.

Submissions (2):

Fulgent Genetics
Classification: Uncertain significance for Rubinstein-Taybi syndrome due to CREBBP mutations; Menke-Hennekam syndrome 1. Last evaluated: 2024-05-24. Review status: criteria provided, single submitter. Criteria: ACMG Guidelines, 2015. Collection method: clinical testing. Allele origin: germline.

PreventionGenetics, part of Exact Sciences
Classification: Uncertain significance for CREBBP-related condition. Last evaluated: 2024-05-01. Review status: no assertion criteria provided. Collection method: clinical testing. Allele origin: germline. Not counted in ClinVar's aggregate classification.
Comment: The CREBBP c.4749G>T variant is predicted to result in the amino acid substitution p.Lys1583Asn. To our knowledge, this variant has not been reported in the literature. This variant is reported in 0.023% of alleles in individuals of African descent in gnomAD. Although we suspect that this variant may be benign, at this time, the clinical significance of this variant is uncertain due to the absence of conclusive functional and genetic evidence.

NM_004380.3(CREBBP):c.4749G>T (p.Lys1583Asn)

Gene: CREBBP (CREB binding lysine acetyltransferase; minus strand). Cytogenetic location: 16p13.3.
Variant type: single nucleotide variant.
Coding change: c.4749G>T on transcript NM_004380.3 (MANE Select); coding-DNA position 4749, G replaced by T.
Protein change: p.Lys1583Asn; replaces lysine 1583 with asparagine.
Molecular consequence: missense variant.
Genome position (GRCh38, 1-based): chr16:3,731,917, C>A on the plus strand (G>T on the coding strand, the complement: CREBBP is on the minus strand). VCF-style: chr16-3731917-C-A. GRCh37 (hg19) VCF-style: chr16-3781918-C-A.
Other names: c.4635G>T, p.Lys1545Asn (NM_001079846.1); short protein forms K1545N, K1583N.
Identifiers: ClinVar variation 3356636 (VCV003356636.2).